The following is an entry in ClinVar:

NM_007315.4(STAT1):c.541+3A>G

Gene: STAT1 (signal transducer and activator of transcription 1; minus strand). Cytogenetic location: 2q32.2.
Variant type: single nucleotide variant.
Coding change: c.541+3A>G on transcript NM_007315.4 (MANE Select); 3 bases into the intron after coding-DNA position 541, A replaced by G.
Molecular consequence: intron variant.
Genome position (GRCh38, 1-based): chr2:190,999,623, T>C on the plus strand (A>G on the coding strand, the complement: STAT1 is on the minus strand). VCF-style: chr2-190999623-T-C. GRCh37 (hg19) VCF-style: chr2-191864349-T-C.
Other names: c.541+3A>G (NM_001437284.1, NM_001384885.1, NM_001384887.1 and 6 more transcripts); c.451+3A>G (NM_001384890.1); c.534+3A>G (NM_001384883.1); c.577+3A>G (NM_001384891.1); c.547+3A>G (NM_001384884.1, NM_001384881.1).
Identifiers: ClinVar variation 4793471 (VCV004793471.1).

ClinVar aggregate classification (germline): Uncertain significance (1 of 4 stars; one submission).

Conditions:
Autoimmune enteropathy and endocrinopathy - susceptibility to chronic infections syndrome. Also called: Immunodeficiency 31C, autosomal dominant; Immunodeficiency 31C. Identifiers: Orphanet 391487, MedGen C3279990, MONDO:0013599, OMIM 614162.
Immunodeficiency 31B. Also called: STAT1 DEFICIENCY, AUTOSOMAL RECESSIVE; IMMUNODEFICIENCY 31B, MYCOBACTERIAL AND VIRAL INFECTIONS, AUTOSOMAL RECESSIVE. Identifiers: Orphanet 391311, MedGen C3151088, MONDO:0013427, OMIM 613796.
Mendelian susceptibility to mycobacterial diseases due to partial STAT1 deficiency. Also called: IMMUNODEFICIENCY 31A, MYCOBACTERIOSIS, AUTOSOMAL DOMINANT; STAT1 DEFICIENCY, AUTOSOMAL DOMINANT; Immunodeficiency 31a. Identifiers: Orphanet 319595, MedGen C4013950, MONDO:0013956, OMIM 614892.

gnomAD v4.1: 7 of 1,612,286 alleles (0.00043%); highest among the groups gnomAD compares: Non-Finnish European, 0.00059%; no homozygotes.

Submission:

Labcorp Genetics (formerly Invitae), Labcorp
Classification: Uncertain significance for Mendelian susceptibility to mycobacterial diseases due to partial STAT1 deficiency; Immunodeficiency 31B; Autoimmune enteropathy and endocrinopathy - susceptibility to chronic infections syndrome. Last evaluated: 2025-07-18. Review status: criteria provided, single submitter. Criteria: Invitae Variant Classification Sherloc (09022015). Collection method: clinical testing. Allele origin: germline.
Comment: This sequence change falls in intron 7 of the STAT1 gene. It does not directly change the encoded amino acid sequence of the STAT1 protein. It affects a nucleotide within the consensus splice site. This variant is present in population databases (rs764122198, gnomAD 0.003%). This variant has not been reported in the literature in individuals affected with STAT1-related conditions. Variants that disrupt the consensus splice site are a relatively common cause of aberrant splicing (PMID: 17576681, 9536098). Algorithms developed to predict the effect of sequence changes on RNA splicing suggest that this variant is not likely to affect RNA splicing. In summary, the available evidence is currently insufficient to determine the role of this variant in disease. Therefore, it has been classified as a Variant of Uncertain Significance.

Literature cited by the submitters: PubMed 17576681; PubMed 9536098.